The following is an entry in ClinVar:

NM_000059.4(BRCA2):c.1952A>C (p.Asp651Ala)

Gene: BRCA2 (BRCA2 DNA repair associated; plus strand). Cytogenetic location: 13q13.1.
Variant type: single nucleotide variant.
Coding change: c.1952A>C on transcript NM_000059.4 (MANE Select); coding-DNA position 1952, A replaced by C.
Protein change: p.Asp651Ala; replaces aspartic acid 651 with alanine.
Molecular consequence: missense variant. On other transcripts: non-coding transcript variant (1), intron variant (2).
Genome position (GRCh38, 1-based): chr13:32,336,307, A>C. VCF-style: chr13-32336307-A-C. GRCh37 (hg19) VCF-style: chr13-32910444-A-C.
Other names: c.1952A>C, p.Asp651Ala (NM_001406719.1, NM_001406720.1); c.1909+2920A>C (NM_001406721.1); c.424+5277A>C (NM_001406722.1); short protein forms D651A.
Identifiers: ClinVar variation 2566062 (VCV002566062.5), dbSNP rs747387987, ClinGen allele CA387768432.

ClinVar aggregate classification (germline): Uncertain significance. Review status: criteria provided, multiple submitters, no conflicts (2 of 4 stars). 2 submissions from 2 submitters: Uncertain significance (2). Last evaluated 2023-11-04.

Conditions:
Hereditary breast ovarian cancer syndrome. Also called: BRCA1- and BRCA2-Associated Hereditary Breast and Ovarian Cancer; Hereditary breast and ovarian cancer syndrome (HBOC); Hereditary breast and ovarian cancer syndrome; Breast and ovarian cancer; Hereditary breast and/or ovarian cancer syndrome; Hereditary breast and ovarian cancer. Identifiers: Orphanet 145, MedGen C0677776, MeSH D061325, MONDO:0003582. Disease mechanism: loss of function.
Hereditary cancer-predisposing syndrome. Also called: Neoplastic Syndromes, Hereditary; Hereditary Cancer Syndrome; Hereditary neoplastic syndrome; Tumor predisposition. Identifiers: Orphanet 140162, MedGen C0027672, MeSH D009386, MONDO:0015356.

Submissions (2):

Labcorp Genetics (formerly Invitae), Labcorp
Classification: Uncertain significance for Hereditary breast ovarian cancer syndrome. Last evaluated: 2023-11-04. Review status: criteria provided, single submitter. Criteria: Invitae Variant Classification Sherloc (09022015). Collection method: clinical testing. Allele origin: germline.
Comment: This sequence change replaces aspartic acid, which is acidic and polar, with alanine, which is neutral and non-polar, at codon 651 of the BRCA2 protein (p.Asp651Ala). This variant is not present in population databases (gnomAD no frequency). This variant has not been reported in the literature in individuals affected with BRCA2-related conditions. ClinVar contains an entry for this variant (Variation ID: 2566062). Advanced modeling of protein sequence and biophysical properties (such as structural, functional, and spatial information, amino acid conservation, physicochemical variation, residue mobility, and thermodynamic stability) performed at Invitae indicates that this missense variant is not expected to disrupt BRCA2 protein function with a negative predictive value of 95%. In summary, the available evidence is currently insufficient to determine the role of this variant in disease. Therefore, it has been classified as a Variant of Uncertain Significance.

Ambry Genetics
Classification: Uncertain significance for Hereditary cancer-predisposing syndrome. Last evaluated: 2023-06-12. Review status: criteria provided, single submitter. Criteria: Ambry Variant Classification Scheme 2023. Collection method: clinical testing. Allele origin: germline.
Comment: The p.D651A variant (also known as c.1952A>C), located in coding exon 10 of the BRCA2 gene, results from an A to C substitution at nucleotide position 1952. The aspartic acid at codon 651 is replaced by alanine, an amino acid with dissimilar properties. This amino acid position is conserved. In addition, this alteration is predicted to be tolerated by in silico analysis. Since supporting evidence is limited at this time, the clinical significance of this alteration remains unclear.